The following is an entry in ClinVar:

ClinVar aggregate classification (germline): Uncertain significance (1 of 4 stars; one submission).

Allele frequency attached by ClinVar (database versions not stated): gnomAD exomes below 0.00001; ExAC 0.00001; gnomAD 0.00001.
gnomAD v4.1: 3 of 1,614,056 alleles (0.00019%); highest among the groups gnomAD compares: Non-Finnish European, 0.00025%; no homozygotes.

Submission:

Labcorp Genetics (formerly Invitae), Labcorp
Classification: Uncertain significance. Last evaluated: 2023-10-09. Review status: criteria provided, single submitter. Criteria: Invitae Variant Classification Sherloc (09022015). Collection method: clinical testing. Allele origin: germline.
Comment: This sequence change affects codon 1097 of the WDR11 mRNA. It is a 'silent' change, meaning that it does not change the encoded amino acid sequence of the WDR11 protein. It affects a nucleotide within the consensus splice site. This variant is present in population databases (rs751379436, gnomAD 0.002%). This variant has not been reported in the literature in individuals affected with WDR11-related conditions. Algorithms developed to predict the effect of sequence changes on RNA splicing suggest that this variant is not likely to affect RNA splicing. In summary, the available evidence is currently insufficient to determine the role of this variant in disease. Therefore, it has been classified as a Variant of Uncertain Significance.

NM_018117.12(WDR11):c.3291A>G (p.Lys1097=)

Gene: WDR11 (WD repeat domain 11; plus strand). Cytogenetic location: 10q26.12.
Variant type: single nucleotide variant.
Coding change: c.3291A>G on transcript NM_018117.12 (MANE Select); coding-DNA position 3291, A replaced by G.
Protein change: p.Lys1097=; no amino-acid change (lysine 1097 retained).
Molecular consequence: synonymous variant.
Genome position (GRCh38, 1-based): chr10:120,905,416, A>G. VCF-style: chr10-120905416-A-G. GRCh37 (hg19) VCF-style: chr10-122664928-A-G.
Identifiers: ClinVar variation 2728183 (VCV002728183.3), dbSNP rs751379436, ClinGen allele CA5720271.